The following is an entry in ClinVar:

ClinVar aggregate classification (germline): Uncertain significance (1 of 4 stars; one submission).

Allele frequency attached by ClinVar (database versions not stated): gnomAD 0.00001; 1000 Genomes Project 30x 0.00016; 1000 Genomes Project 0.00020.

Submission:

Labcorp Genetics (formerly Invitae), Labcorp
Classification: Uncertain significance. Last evaluated: 2024-01-15. Review status: criteria provided, single submitter. Criteria: Invitae Variant Classification Sherloc (09022015). Collection method: clinical testing. Allele origin: germline.
Comment: This sequence change replaces arginine, which is basic and polar, with lysine, which is basic and polar, at codon 195 of the ORC4 protein (p.Arg195Lys). This variant is present in population databases (rs528906038, gnomAD 0.07%). This variant has not been reported in the literature in individuals affected with ORC4-related conditions. ClinVar contains an entry for this variant (Variation ID: 1436800). Advanced modeling of protein sequence and biophysical properties (such as structural, functional, and spatial information, amino acid conservation, physicochemical variation, residue mobility, and thermodynamic stability) has been performed at Invitae for this missense variant, however the output from this modeling did not meet the statistical confidence thresholds required to predict the impact of this variant on ORC4 protein function. In summary, the available evidence is currently insufficient to determine the role of this variant in disease. Therefore, it has been classified as a Variant of Uncertain Significance.

NM_181741.4(ORC4):c.584G>A (p.Arg195Lys)

Gene: ORC4 (origin recognition complex subunit 4; minus strand). Cytogenetic location: 2q23.1.
Variant type: single nucleotide variant.
Coding change: c.584G>A on transcript NM_181741.4 (MANE Select); coding-DNA position 584, G replaced by A.
Protein change: p.Arg195Lys; replaces arginine 195 with lysine.
Molecular consequence: missense variant.
Genome position (GRCh38, 1-based): chr2:147,952,377, C>T on the plus strand (G>A on the coding strand, the complement: ORC4 is on the minus strand). VCF-style: chr2-147952377-C-T. GRCh37 (hg19) VCF-style: chr2-148709946-C-T.
Other names: c.584G>A, p.Arg195Lys (NM_001190879.3, NM_001374270.1, NM_002552.5 and 1 more transcripts); c.332G>A, p.Arg111Lys (NM_001190881.3, NM_001374272.1); c.362G>A, p.Arg121Lys (NM_001190882.3); short protein forms R195K, R111K, R121K.
Identifiers: ClinVar variation 1436800 (VCV001436800.5), dbSNP rs528906038, ClinGen allele CA1899567.